The following is an entry in ClinVar:

ClinVar aggregate classification (germline): Pathogenic. Review status: criteria provided, multiple submitters, no conflicts (2 of 4 stars). 3 submissions from 3 submitters: Pathogenic (2). 1 of the submissions does not count toward it. Last evaluated 2023-05-22.

Conditions:
Fanconi anemia complementation group A (FANCA). Also called: Fanconi anemia, group A; FANCA-Related Fanconi Anemia. Identifiers: Orphanet 84, MedGen C3469521, MONDO:0009215, OMIM 227650.
Fanconi anemia (FA). Also called: Fanconi's anemia. Identifiers: Orphanet 84, MedGen C0015625, MeSH D005199, MONDO:0019391.

Allele frequency attached by ClinVar (database versions not stated): gnomAD exomes below 0.00001; TOPMed 0.00001.

Submissions (3):

Labcorp Genetics (formerly Invitae), Labcorp
Classification: Pathogenic for Fanconi anemia. Last evaluated: 2023-05-22. Review status: criteria provided, single submitter. Criteria: Invitae Variant Classification Sherloc (09022015). Collection method: clinical testing. Allele origin: germline.
Comment: For these reasons, this variant has been classified as Pathogenic. Algorithms developed to predict the effect of sequence changes on RNA splicing suggest that this variant may create or strengthen a splice site. ClinVar contains an entry for this variant (Variation ID: 974357). This premature translational stop signal has been observed in individual(s) with Fanconi anemia (PMID: 10094191, 22778927). This variant is present in population databases (no rsID available, gnomAD 0.0009%). This sequence change creates a premature translational stop signal (p.Gln1307Argfs*2) in the FANCA gene. It is expected to result in an absent or disrupted protein product. Loss-of-function variants in FANCA are known to be pathogenic (PMID: 19367192).

Fulgent Genetics
Classification: Pathogenic for Fanconi anemia complementation group A. Last evaluated: 2021-10-20. Review status: criteria provided, single submitter. Criteria: ACMG Guidelines, 2015. Collection method: clinical testing. Allele origin: unknown.

Leiden Open Variation Database
Classification: Pathogenic for Fanconi anemia complementation group A. Last evaluated: 2020-02-28. Review status: no assertion criteria provided. Collection method: curation. Allele origin: germline. Affected: yes. Not counted in ClinVar's aggregate classification.
Comment: Curator: Arleen D. Auerbach. Submitters to LOVD: Arleen D. Auerbach, Johan de Winter, Sue Richards.

Literature cited by the submitters: PubMed 10094191 (cited by Labcorp Genetics (formerly Invitae), Labcorp and Leiden Open Variation Database); PubMed 22778927 (cited by Labcorp Genetics (formerly Invitae), Labcorp and Leiden Open Variation Database); PubMed 19367192 (cited by Labcorp Genetics (formerly Invitae), Labcorp); PubMed 17924555 (cited by Leiden Open Variation Database).

NM_000135.4(FANCA):c.3920del (p.Gln1307fs)

Genes: FANCA (FA complementation group A; minus strand), ZNF276 (zinc finger protein 276; plus strand). Cytogenetic location: 16q24.3.
Variant type: Deletion.
Coding change: c.3920del on transcript NM_000135.4 (MANE Select); coding-DNA position 3920, one base deleted (A; older notation c.3920delA).
Protein change: p.Gln1307fs; shifts the reading frame from glutamine 1307.
Molecular consequence: frameshift variant. On other transcripts: 3 prime UTR variant (2), non-coding transcript variant (4).
Genome position (GRCh38, 1-based): chr16:89,740,008, T deleted on the plus strand (A on the coding strand, the reverse complement: FANCA is on the minus strand). VCF-style (leftmost placement, unchanged base first): chr16-89740007-CT-C. GRCh37 (hg19) VCF-style: chr16-89806415-CT-C.
Other names: c.3920delA, p.Gln1307Argfs (NM_000135.2); c.3920del, p.Gln1307fs (NM_001286167.3); c.*1762del (NM_001113525.2, NM_152287.4); short protein forms Q1307fs.
Identifiers: ClinVar variation 974357 (VCV000974357.11), dbSNP rs1228394297, ClinGen allele CA624278911.